The following is an entry in ClinVar:

NM_000135.4(FANCA):c.845C>T (p.Ala282Val)

Gene: FANCA (FA complementation group A; minus strand). Cytogenetic location: 16q24.3.
Variant type: single nucleotide variant.
Coding change: c.845C>T on transcript NM_000135.4 (MANE Select); coding-DNA position 845, C replaced by T.
Protein change: p.Ala282Val; replaces alanine 282 with valine.
Molecular consequence: missense variant.
Genome position (GRCh38, 1-based): chr16:89,799,214, G>A on the plus strand (C>T on the coding strand, the complement: FANCA is on the minus strand). VCF-style: chr16-89799214-G-A. GRCh37 (hg19) VCF-style: chr16-89865622-G-A.
Other names: c.845C>T, p.Ala282Val (NM_001018112.3, NM_001286167.3); c.749C>T, p.Ala250Val (NM_001351830.2); short protein forms A282V, A250V.
Identifiers: ClinVar variation 4254265 (VCV004254265.1).
Genomic context (GRCh38, chr16:89,799,214, plus strand): 5'-TCAGGAACATACCAGCACCTCACGATCTTGTGAGTGGAGGACTCCTCCTGTACTCCAGCA[G>A]CCAAAGCGTCAAGTGCAACTGAAGACAGAGCCAGGAACAGAAAACAGATGTCAGCACACG-3'
Protein context (NP_000126.2, residues 272-292): RMLIFALDAL[Ala282Val]AGVQEESSTH

ClinVar aggregate classification (germline): Uncertain significance (1 of 4 stars; one submission).

Conditions:
Inborn genetic diseases. Identifiers: MedGen C0950123, MeSH D030342.

gnomAD v4.1: 3 of 1,613,960 alleles (0.00019%); highest among the groups gnomAD compares: African/African-American, 0.0027%; no homozygotes.

Submission:

Ambry Genetics
Classification: Uncertain significance for Inborn genetic diseases. Last evaluated: 2025-08-07. Review status: criteria provided, single submitter. Criteria: Ambry Variant Classification Scheme 2023. Collection method: clinical testing. Allele origin: germline.
Comment: The p.A282V variant (also known as c.845C>T), located in coding exon 10 of the FANCA gene, results from a C to T substitution at nucleotide position 845. The alanine at codon 282 is replaced by valine, an amino acid with similar properties. This amino acid position is conserved. In addition, this alteration is predicted to be tolerated by in silico analysis. Based on the available evidence, the clinical significance of this variant remains unclear.